The following is an entry in ClinVar:

ClinVar aggregate classification (germline): Pathogenic/Likely pathogenic. Review status: criteria provided, multiple submitters, no conflicts (2 of 4 stars). 8 submissions from 8 submitters: Pathogenic (7); Likely pathogenic (1). Last evaluated 2026-04-14.

Conditions:
Familial intrahepatic cholestasis. Identifiers: Orphanet 284385, MedGen CN296401, MONDO:0017290.
Benign recurrent intrahepatic cholestasis type 2 (BRIC2). Also called: Recurrent familial intrahepatic cholestasis 2. Identifiers: Orphanet 65682, Orphanet 99961, MedGen C2608083, MONDO:0011559, OMIM 605479.
ABCB11-related disorder. Also called: ABCB11-related condition.
Progressive familial intrahepatic cholestasis type 2. Identifiers: Orphanet 79304, MedGen C3489789, MONDO:0011156, OMIM 601847.

Allele frequency attached by ClinVar (database versions not stated): gnomAD exomes below 0.00001; gnomAD 0.00001 and 0.00002; TOPMed 0.00001.
gnomAD v4.1: 8 of 1,613,576 alleles (0.0005%); highest among the groups gnomAD compares: Middle Eastern, 0.016%; no homozygotes.

Submissions (8):

Genomenon, Inc
Classification: Pathogenic for Familial intrahepatic cholestasis. Last evaluated: 2026-04-14. Review status: criteria provided, single submitter. Criteria: Genomenon Sequence Variant Interpretation Standards - Updated. Collection method: curation. Allele origin: germline. Affected: yes.
Comment: ABCB11 p.Arg1235Ter (c.3703C>T) is a nonsense variant that introduces a premature stop codon at amino acid position 1235, creating a truncated protein that is predicted to undergo nonsense-mediated mRNA decay. This variant has been observed in at least one proband with an ABCB11-related disorder (PMID:36995996;32808743;28839429;18395098). It is absent or not present at a significant frequency in gnomAD. In conclusion, we classify ABCB11 p.Arg1235Ter (c.3703C>T) as a pathogenic variant.

PreventionGenetics, part of Exact Sciences
Classification: Pathogenic for ABCB11-related condition. Last evaluated: 2025-05-21. Review status: criteria provided, single submitter. Criteria: ACMG Guidelines, 2015. Collection method: clinical testing. Allele origin: germline.
Comment: The ABCB11 c.3703C>T variant is predicted to result in premature protein termination (p.Arg1235*). This variant has been reported in the homozygous or compound heterozygous states individuals with intrahepatic cholestasis (See for examples: Strautnieks et al. 2008. PubMed ID: 18395098; Li et al. 2020. PubMed ID: 32808743). This variant is reported in 0.0065% of alleles in individuals of European (Non-Finnish) descent in gnomAD. Nonsense variants in ABCB11 are expected to be pathogenic. This variant is interpreted as pathogenic.

Broad Center for Mendelian Genomics, Broad Institute of MIT and Harvard
Classification: Pathogenic for Progressive familial intrahepatic cholestasis type 2. Last evaluated: 2025-01-22. Review status: criteria provided, single submitter. Criteria: ACMG Guidelines, 2015. Collection method: curation. Allele origin: germline. Inheritance: Autosomal recessive inheritance.
Comment: The p.Arg1235Ter variant in ABCB11 has been reported in at least six individuals with BSEP deficiency (PMID: 18395098, 21691112, 25847799, 28839429, 32808743, 36995996), and has been identified in 0.003% (1/29598) of Ashkenazi Jewish chromosomes by the Genome Aggregation Database (gnomAD; dbSNP rs866839234). Although this variant has been seen in the general population in a heterozygous state, its frequency is low enough to be consistent with a recessive carrier frequency. This variant has also been reported in ClinVar (Variation ID: 1410817) and has been interpreted as pathogenic by Invitae. Of the six affected individuals, two were homozygotes, which increases the likelihood that the p.Arg1235Ter variant is pathogenic (PMID: 18395098, 36995996). This nonsense variant leads to a premature termination codon at position 1235, which is predicted to lead to a truncated or absent protein. Loss of function of the ABCB11 gene is an established disease mechanism in autosomal recessive BSEP deficiency. In vitro functional studies provide some evidence that the p.Arg1235Ter variant may slightly impact protein function (PMID: 18395098). However, these types of assays may not accurately represent biological function. In summary, this variant meets criteria to be classified as pathogenic for autosomal recessive BSEP deficiency. ACMG/AMP Criteria applied: PVS1, PM3, PS3_supporting, PM2_supporting (Richards 2015).

Natera, Inc.
Classification: Pathogenic for Progressive familial intrahepatic cholestasis type 2. Last evaluated: 2024-10-15. Review status: criteria provided, single submitter. Criteria: Natera Variant Classification Schema (03/2026). Collection method: clinical testing. Allele origin: germline.
Comment: The c.3703C>T variant in ABCB11 is a nonsense variant predicted to introduce a stop codon at amino acid 1235. This variant is expected to result in nonsense mediated decay, truncation, or a dysfunctional protein product. This variant is rare in the general population with a frequency below the threshold expected for the associated phenotype(s). This variant has been observed in one or more individuals affected with the associated recessive disease, as either homozygous or compound heterozygous with a second variant (PMID: 18395098, 32808743). Given the available evidence, this variant is classified as Pathogenic.

Blueprint Genetics
Classification: Likely pathogenic for ABCB11-related disorders. Last evaluated: 2023-12-28. Review status: criteria provided, single submitter. Criteria: ACMG Guidelines, 2015. Collection method: clinical testing. Allele origin: germline. Affected: yes. Observed: 2 variant alleles.

Baylor Genetics
Classification: Pathogenic for Benign recurrent intrahepatic cholestasis type 2. Last evaluated: 2023-08-12. Review status: criteria provided, single submitter. Criteria: ACMG Guidelines, 2015. Collection method: clinical testing. Allele origin: unknown.

Neuberg Centre For Genomic Medicine, NCGM
Classification: Pathogenic for Progressive familial intrahepatic cholestasis type 2. Last evaluated: 2023-03-01. Review status: criteria provided, single submitter. Criteria: ACMG Guidelines, 2015. Collection method: clinical testing. Allele origin: germline. Inheritance: Autosomal recessive inheritance. Affected: yes.
Comment: The stop gained c.3703C>T (p.Arg1235Ter) variant in ABCB11 gene has been previously reported in homozygous and compound heterozygous states in individuals affected with progressive familial intrahepatic cholestasis (Strautnieks et al., 2008; Li et al., 2020). The p.Arg1235Ter variant is novel (not in any individuals) in gnomAD Exomes and 1000 Genomes. This variant has been reported to the ClinVar database as Pathogenic. The nucleotide change c.3703C>T in ABCB11 is predicted as conserved by GERP++ and PhyloP across 100 vertebrates. This sequence change creates a premature translational stop signal (p.Arg1235Ter) in the ABCB11 gene. This variant is predicted to cause loss of normal protein function through protein truncation. Loss of function variants in ABCB11 gene have been previously reported to be pathogenic (Nayagam et al., 2022). However, additional functional studies will be required to prove the pathogenicity of this variant. For these reasons, this variant has been classified as Likely Pathogenic.

Labcorp Genetics (formerly Invitae), Labcorp
Classification: Pathogenic. Last evaluated: 2021-03-20. Review status: criteria provided, single submitter. Criteria: Invitae Variant Classification Sherloc (09022015). Collection method: clinical testing. Allele origin: germline.
Comment: This variant has been observed in individual(s) with ABCB11-related conditions (PMID: 18395098, 28733223). For these reasons, this variant has been classified as Pathogenic. This variant is not present in population databases (ExAC no frequency). This sequence change creates a premature translational stop signal (p.Arg1235*) in the ABCB11 gene. It is expected to result in an absent or disrupted protein product. Loss-of-function variants in ABCB11 are known to be pathogenic (PMID: 18395098, 20232290).

Literature cited by the submitters: PubMed 36995996 (cited by Genomenon, Inc); PubMed 32808743 (cited by Genomenon, Inc and Natera, Inc.); PubMed 28839429 (cited by Genomenon, Inc); PubMed 18395098 (cited by 3 submitters); PubMed 28733223 (cited by Labcorp Genetics (formerly Invitae), Labcorp); PubMed 20232290 (cited by Labcorp Genetics (formerly Invitae), Labcorp).

NM_003742.4(ABCB11):c.3703C>T (p.Arg1235Ter)

Gene: ABCB11 (ATP binding cassette subfamily B member 11; minus strand). Cytogenetic location: 2q31.1.
Variant type: single nucleotide variant.
Coding change: c.3703C>T on transcript NM_003742.4 (MANE Select); coding-DNA position 3703, C replaced by T.
Protein change: p.Arg1235Ter; replaces arginine 1235 with a stop codon.
Molecular consequence: nonsense.
Genome position (GRCh38, 1-based): chr2:168,924,719, G>A on the plus strand (C>T on the coding strand, the complement: ABCB11 is on the minus strand). VCF-style: chr2-168924719-G-A. GRCh37 (hg19) VCF-style: chr2-169781229-G-A.
Other names: NM_003742.4(ABCB11):c.3703C>T; p.Arg1235Ter; c.3703C>T (NM_003742.2); short protein forms R1235*.
Identifiers: ClinVar variation 1410817 (VCV001410817.14), dbSNP rs866839234, ClinGen allele CA59868462.
Genomic context (GRCh38, chr2:168,924,719, plus strand): 5'-TTTCACTTTCTGTGTCTAAGGCAGAAGTGGCTTCATCTAGTAGCAAGATTTTAGGATCTC[G>A]TACAATGGCCCGAGCAATAGCAATGCGTTGTTTCTCCCCTCTAGAGAGTTGAGACCCCTG-3'